The following is an entry in ClinVar:

NM_194255.4(SLC19A1):c.1448C>T (p.Ala483Val)

Gene: SLC19A1 (solute carrier family 19 member 1; minus strand). Cytogenetic location: 21q22.3.
Variant type: single nucleotide variant.
Coding change: c.1448C>T on transcript NM_194255.4 (MANE Select); coding-DNA position 1448, C replaced by T.
Protein change: p.Ala483Val; replaces alanine 483 with valine.
Molecular consequence: missense variant. On other transcripts: intron variant (2).
Genome position (GRCh38, 1-based): chr21:45,515,986, G>A on the plus strand (C>T on the coding strand, the complement: SLC19A1 is on the minus strand). VCF-style: chr21-45515986-G-A. GRCh37 (hg19) VCF-style: chr21-46935900-G-A.
Other names: c.1328C>T, p.Ala443Val (NM_001205207.3); c.1094C>T, p.Ala365Val (NM_001352510.2); c.1448C>T, p.Ala483Val (NM_001352512.2); c.1294-834C>T (NM_001352511.3, NM_001205206.4); short protein forms A365V, A483V, A443V.
Identifiers: ClinVar variation 2021869 (VCV002021869.4), dbSNP rs2517974182, ClinGen allele CA410504199.
Genomic context (GRCh38, chr21:45,515,986, plus strand): 5'-GAAAGCGGCGGGCTCTGGGCTGGCTGCAGGCCTCCGAGGCCCTTGTCCTGCACGCTCAGT[G>A]CCTGTGCTGCCTTCTCCTCCGCGGCACTCCTCAGGCCCTGGGCCGGGGGCTGCCGCGGGT-3'
Protein context (NP_919231.1, residues 473-493): RSAAEEKAAQ[Ala483Val]LSVQDKGLGG

ClinVar aggregate classification (germline): Uncertain significance (1 of 4 stars; one submission).

Submission:

Labcorp Genetics (formerly Invitae), Labcorp
Classification: Uncertain significance. Last evaluated: 2022-08-18. Review status: criteria provided, single submitter. Criteria: Invitae Variant Classification Sherloc (09022015). Collection method: clinical testing. Allele origin: germline.
Comment: This variant is not present in population databases (gnomAD no frequency). This variant has not been reported in the literature in individuals affected with SLC19A1-related conditions. Algorithms developed to predict the effect of missense changes on protein structure and function output the following: SIFT: "Tolerated"; PolyPhen-2: "Benign"; Align-GVGD: "Class C0". The valine amino acid residue is found in multiple mammalian species, which suggests that this missense change does not adversely affect protein function. Algorithms developed to predict the effect of sequence changes on RNA splicing suggest that this variant may create or strengthen a splice site. In summary, the available evidence is currently insufficient to determine the role of this variant in disease. Therefore, it has been classified as a Variant of Uncertain Significance. This sequence change replaces alanine, which is neutral and non-polar, with valine, which is neutral and non-polar, at codon 483 of the SLC19A1 protein (p.Ala483Val).